The following is an entry in ClinVar:

NM_170682.4(P2RX2):c.687del (p.His229fs)

Gene: P2RX2 (purinergic receptor P2X 2; plus strand). Cytogenetic location: 12q24.33.
Variant type: Deletion.
Coding change: c.687del on transcript NM_170682.4 (MANE Select); coding-DNA position 687, one base deleted (C; older notation c.687delC).
Protein change: p.His229fs; shifts the reading frame from histidine 229.
Molecular consequence: frameshift variant.
Genome position (GRCh38, 1-based): chr12:132,620,496, C deleted. VCF-style (leftmost placement, unchanged base first): chr12-132620495-AC-A. GRCh37 (hg19) VCF-style: chr12-133197081-AC-A.
Other names: c.580del, p.Arg194fs (NM_001282164.2); c.687del, p.His229fs (NM_001282165.2, NM_170683.4, NM_174873.3); c.471del, p.His157fs (NM_012226.5); c.615del, p.His205fs (NM_016318.4); c.411del, p.His137fs (NM_174872.3); short protein forms H137fs, H157fs, H205fs, H229fs, R194fs.
Identifiers: ClinVar variation 5016944 (VCV005016944.1).

ClinVar aggregate classification (germline): Uncertain significance (1 of 4 stars; one submission).

Submission:

GeneDx
Classification: Uncertain significance. Last evaluated: 2026-03-27. Review status: criteria provided, single submitter. Criteria: GeneDx Variant Classification Process June 2021. Collection method: clinical testing. Allele origin: germline.
Comment: Frameshift variant predicted to result in protein truncation or nonsense mediated decay in a gene or region of a gene for which loss of function is not a well-established mechanism of disease; Not observed at significant frequency in large population cohorts (gnomAD); Has not been previously published as pathogenic or benign to our knowledge